The following is an entry in ClinVar:

NM_000057.4(BLM):c.2483C>T (p.Ala828Val)

Gene: BLM (BLM RecQ like helicase; plus strand). Cytogenetic location: 15q26.1.
Variant type: single nucleotide variant.
Coding change: c.2483C>T on transcript NM_000057.4 (MANE Select); coding-DNA position 2483, C replaced by T.
Protein change: p.Ala828Val; replaces alanine 828 with valine.
Molecular consequence: missense variant.
Genome position (GRCh38, 1-based): chr15:90,769,514, C>T. VCF-style: chr15-90769514-C-T. GRCh37 (hg19) VCF-style: chr15-91312744-C-T.
Other names: c.2483C>T, p.Ala828Val (NM_001287246.2, NM_001287247.2); c.1358C>T, p.Ala453Val (NM_001287248.2); short protein forms A453V, A828V.
Identifiers: ClinVar variation 1407070 (VCV001407070.9), dbSNP rs2151166225, ClinGen allele CA393845422.

ClinVar aggregate classification (germline): Uncertain significance. Review status: criteria provided, multiple submitters, no conflicts (2 of 4 stars). 2 submissions from 2 submitters: Uncertain significance (2). Last evaluated 2025-06-27.

Conditions:
Hereditary cancer-predisposing syndrome. Also called: Hereditary neoplastic syndrome; Hereditary Cancer Syndrome; Neoplastic Syndromes, Hereditary; Tumor predisposition. Identifiers: Orphanet 140162, MedGen C0027672, MeSH D009386, MONDO:0015356.
Bloom syndrome (BLM). Also called: Bloom-Torre-Machacek syndrome. Identifiers: Orphanet 125, MedGen C0005859, MONDO:0008876, OMIM 210900.

Submissions (2):

Labcorp Genetics (formerly Invitae), Labcorp
Classification: Uncertain significance for Bloom syndrome. Last evaluated: 2025-06-27. Review status: criteria provided, single submitter. Criteria: Invitae Variant Classification Sherloc (09022015). Collection method: clinical testing. Allele origin: germline.
Comment: This sequence change replaces alanine, which is neutral and non-polar, with valine, which is neutral and non-polar, at codon 828 of the BLM protein (p.Ala828Val). This variant is not present in population databases (gnomAD no frequency). This variant has not been reported in the literature in individuals affected with BLM-related conditions. ClinVar contains an entry for this variant (Variation ID: 1407070). Invitae Evidence Modeling of protein sequence and biophysical properties (such as structural, functional, and spatial information, amino acid conservation, physicochemical variation, residue mobility, and thermodynamic stability) has been performed for this missense variant. However, the output from this modeling did not meet the statistical confidence thresholds required to predict the impact of this variant on BLM protein function. In summary, the available evidence is currently insufficient to determine the role of this variant in disease. Therefore, it has been classified as a Variant of Uncertain Significance.

Ambry Genetics
Classification: Uncertain significance for Hereditary cancer-predisposing syndrome. Last evaluated: 2025-03-30. Review status: criteria provided, single submitter. Criteria: Ambry Variant Classification Scheme 2023. Collection method: clinical testing. Allele origin: germline.
Comment: The p.A828V variant (also known as c.2483C>T), located in coding exon 11 of the BLM gene, results from a C to T substitution at nucleotide position 2483. The alanine at codon 828 is replaced by valine, an amino acid with similar properties. This amino acid position is conserved. In addition, the in silico prediction for this alteration is inconclusive. Since supporting evidence is limited at this time, the clinical significance of this alteration remains unclear.